The following is an entry in ClinVar:

NM_006158.5(NEFL):c.1018C>G (p.Gln340Glu)

Gene: NEFL (neurofilament light chain; minus strand). Cytogenetic location: 8p21.2.
Variant type: single nucleotide variant.
Coding change: c.1018C>G on transcript NM_006158.5 (MANE Select); coding-DNA position 1018, C replaced by G.
Protein change: p.Gln340Glu; replaces glutamine 340 with glutamic acid.
Molecular consequence: missense variant.
Genome position (GRCh38, 1-based): chr8:24,955,498, G>C on the plus strand (C>G on the coding strand, the complement: NEFL is on the minus strand). VCF-style: chr8-24955498-G-C. GRCh37 (hg19) VCF-style: chr8-24813012-G-C.
Other names: c.1018C>G (NM_006158.3); short protein forms Q340E.
Identifiers: ClinVar variation 2853722 (VCV002853722.4), dbSNP rs1803033418, ClinGen allele CA370621122.
Genomic context (GRCh38, chr8:24,955,498, plus strand): 5'-CCCCCGCCCCCCTGTGTTTCTGGCCGTGCCGCACCTGCATAGCGCTGATGTCGGCGTTCT[G>C]CTTGTCCTCCAGCTCCTGCAGCTGCTTCTCCAGCGCTTCATTCATGCCCCGGCATGCTTC-3'
Protein context (NP_006149.2, residues 330-350): EKQLQELEDK[Gln340Glu]NADISAMQDT

ClinVar aggregate classification (germline): Uncertain significance. Review status: criteria provided, multiple submitters, no conflicts (2 of 4 stars). 2 submissions from 2 submitters: Uncertain significance (2). Last evaluated 2024-01-04.

Conditions:
Charcot-Marie-Tooth disease type 2E (CMT2E). Also called: CHARCOT-MARIE-TOOTH DISEASE, AXONAL, TYPE 2E; CHARCOT-MARIE-TOOTH NEUROPATHY, TYPE 2E. Identifiers: Orphanet 99939, MedGen C1843225, MONDO:0011894, OMIM 607684.
Inborn genetic diseases. Identifiers: MedGen C0950123, MeSH D030342.

Allele frequency attached by ClinVar (database versions not stated): gnomAD 0.00001.
gnomAD v4.1: 1 of 1,610,496 alleles (0.000062%); highest among the groups gnomAD compares: Admixed American, 0.0017%; no homozygotes.

Submissions (2):

Ambry Genetics
Classification: Uncertain significance for Inborn genetic diseases. Last evaluated: 2024-01-04. Review status: criteria provided, single submitter. Criteria: Ambry Variant Classification Scheme 2023. Collection method: clinical testing. Allele origin: germline.

Labcorp Genetics (formerly Invitae), Labcorp
Classification: Uncertain significance for Charcot-Marie-Tooth disease type 2E. Last evaluated: 2023-04-21. Review status: criteria provided, single submitter. Criteria: Invitae Variant Classification Sherloc (09022015). Collection method: clinical testing. Allele origin: germline.
Comment: This sequence change replaces glutamine, which is neutral and polar, with glutamic acid, which is acidic and polar, at codon 340 of the NEFL protein (p.Gln340Glu). This variant is not present in population databases (gnomAD no frequency). This variant has not been reported in the literature in individuals affected with NEFL-related conditions. Advanced modeling of protein sequence and biophysical properties (such as structural, functional, and spatial information, amino acid conservation, physicochemical variation, residue mobility, and thermodynamic stability) has been performed at Invitae for this missense variant, however the output from this modeling did not meet the statistical confidence thresholds required to predict the impact of this variant on NEFL protein function. In summary, the available evidence is currently insufficient to determine the role of this variant in disease. Therefore, it has been classified as a Variant of Uncertain Significance.